The following is an entry in ClinVar:

NM_001271.4(CHD2):c.327C>G (p.Val109=)

Gene: CHD2 (chromodomain helicase DNA binding protein 2; plus strand). Cytogenetic location: 15q26.1.
Variant type: single nucleotide variant.
Coding change: c.327C>G on transcript NM_001271.4 (MANE Select); coding-DNA position 327, C replaced by G.
Protein change: p.Val109=; no amino-acid change (valine 109 retained).
Molecular consequence: synonymous variant.
Genome position (GRCh38, 1-based): chr15:92,927,276, C>G. VCF-style: chr15-92927276-C-G. GRCh37 (hg19) VCF-style: chr15-93470506-C-G.
Other names: c.327C>G, p.Val109= (NM_001042572.3).
Identifiers: ClinVar variation 511101 (VCV000511101.1), dbSNP rs781612109, ClinGen allele CA7747492.

ClinVar aggregate classification (germline): Likely benign (1 of 4 stars; one submission).

Allele frequency attached by ClinVar (database versions not stated): gnomAD exomes below 0.00001; TOPMed below 0.00001; ExAC 0.00001.
gnomAD v4.1: 1 of 1,613,664 alleles (0.000062%); highest among the groups gnomAD compares: African/African-American, 0.0013%; no homozygotes.

Submission:

GeneDx
Classification: Likely benign. Last evaluated: 2017-07-28. Review status: criteria provided, single submitter. Criteria: GeneDx Variant Classification (06012015). Collection method: clinical testing. Allele origin: germline. Affected: yes.
Comment: This variant is considered likely benign or benign based on one or more of the following criteria: it is a conservative change, it occurs at a poorly conserved position in the protein, it is predicted to be benign by multiple in silico algorithms, and/or has population frequency not consistent with disease.